The following is an entry in ClinVar:

ClinVar aggregate classification (germline): Likely pathogenic. Review status: criteria provided, single submitter (1 of 4 stars). 2 submissions from 2 submitters: Likely pathogenic (1). 1 of the submissions does not count toward it. Last evaluated 2025-11-11.

Conditions:
Niemann-Pick disease, type C1. Also called: NIEMANN-PICK DISEASE, VARIANT TYPE C1; NEUROVISCERAL STORAGE DISEASE WITH VERTICAL SUPRANUCLEAR OPHTHALMOPLEGIA; NIEMANN-PICK DISEASE WITH CHOLESTEROL ESTERIFICATION BLOCK; NIEMANN-PICK DISEASE WITHOUT SPHINGOMYELINASE DEFICIENCY; NIEMANN-PICK DISEASE, CHRONIC NEURONOPATHIC FORM. Identifiers: Orphanet 646, MedGen C3179455, MONDO:0009757, OMIM 257220.

Allele frequency attached by ClinVar (database versions not stated): gnomAD exomes below 0.00001; TOPMed below 0.00001; gnomAD 0.00001.
gnomAD v4.1: 2 of 1,613,988 alleles (0.00012%); highest among the groups gnomAD compares: Admixed American, 0.0017%; no homozygotes.

Submissions (2):

Labcorp Genetics (formerly Invitae), Labcorp
Classification: Likely pathogenic for Niemann-Pick disease, type C1. Last evaluated: 2025-11-11. Review status: criteria provided, single submitter. Criteria: Invitae Variant Classification Sherloc (09022015). Collection method: clinical testing. Allele origin: germline.
Comment: This sequence change affects a donor splice site in intron 5 of the NPC1 gene. It is expected to disrupt RNA splicing. Variants that disrupt the donor or acceptor splice site typically lead to a loss of protein function (PMID: 16199547), and loss-of-function variants in NPC1 are known to be pathogenic (PMID: 9211850). This variant is not present in population databases (gnomAD no frequency). This variant has not been reported in the literature in individuals affected with NPC1-related conditions. ClinVar contains an entry for this variant (Variation ID: 557600). Algorithms developed to predict the effect of sequence changes on RNA splicing suggest that this variant may disrupt the consensus splice site. In summary, the currently available evidence indicates that the variant is pathogenic, but additional data are needed to prove that conclusively. Therefore, this variant has been classified as Likely Pathogenic.

Counsyl
Classification: Likely pathogenic for Niemann-Pick disease, type C1. Last evaluated: 2018-04-02. Review status: no assertion criteria provided. Collection method: clinical testing. Allele origin: unknown. Not counted in ClinVar's aggregate classification.

Literature cited by the submitters: PubMed 16199547 (cited by Labcorp Genetics (formerly Invitae), Labcorp); PubMed 9211850 (cited by Labcorp Genetics (formerly Invitae), Labcorp).

NM_000271.5(NPC1):c.631+2T>C

Gene: NPC1 (NPC intracellular cholesterol transporter 1; minus strand). Cytogenetic location: 18q11.2.
Variant type: single nucleotide variant.
Coding change: c.631+2T>C on transcript NM_000271.5 (MANE Select); the canonical splice donor site of the intron after coding-DNA position 631, T replaced by C.
Molecular consequence: splice donor variant.
Genome position (GRCh38, 1-based): chr18:23,561,358, A>G on the plus strand (T>C on the coding strand, the complement: NPC1 is on the minus strand). VCF-style: chr18-23561358-A-G. GRCh37 (hg19) VCF-style: chr18-21141322-A-G.
Identifiers: ClinVar variation 557600 (VCV000557600.3), dbSNP rs1555638833, ClinGen allele CA401782014.